The following is an entry in ClinVar:

NM_003722.5(TP63):c.517G>A (p.Gly173Ser)

Gene: TP63 (tumor protein p63; plus strand). Cytogenetic location: 3q28.
Variant type: single nucleotide variant.
Coding change: c.517G>A on transcript NM_003722.5 (MANE Select); coding-DNA position 517, G replaced by A.
Protein change: p.Gly173Ser; replaces glycine 173 with serine.
Molecular consequence: missense variant. On other transcripts: intron variant (2).
Genome position (GRCh38, 1-based): chr3:189,808,464, G>A. VCF-style: chr3-189808464-G-A. GRCh37 (hg19) VCF-style: chr3-189526253-G-A.
Other names: c.517G>A, p.Gly173Ser (NM_001114978.2, NM_001114979.2, NM_001329144.2 and 1 more transcripts); c.235G>A, p.Gly79Ser (NM_001114980.2, NM_001114981.2, NM_001114982.2 and 2 more transcripts); c.511G>A, p.Gly171Ser (NM_001329964.2); c.42+18622G>A (NM_001329146.2, NM_001329150.2); short protein forms G79S, G171S, G173S.
Identifiers: ClinVar variation 1481716 (VCV001481716.7), dbSNP rs1057521750, ClinGen allele CA355750726.

ClinVar aggregate classification (germline): Likely pathogenic (1 of 4 stars; one submission).

Conditions:
TP63-Related Spectrum Disorders.

Submission:

Labcorp Genetics (formerly Invitae), Labcorp
Classification: Likely pathogenic. Last evaluated: 2022-11-29. Review status: criteria provided, single submitter. Criteria: Invitae Variant Classification Sherloc (09022015). Collection method: clinical testing. Allele origin: germline.
Comment: This sequence change replaces glycine, which is neutral and non-polar, with serine, which is neutral and polar, at codon 173 of the TP63 protein (p.Gly173Ser). This variant is not present in population databases (gnomAD no frequency). This variant has not been reported in the literature in individuals affected with TP63-related conditions. ClinVar contains an entry for this variant (Variation ID: 1481716). Advanced modeling of protein sequence and biophysical properties (such as structural, functional, and spatial information, amino acid conservation, physicochemical variation, residue mobility, and thermodynamic stability) performed at Invitae indicates that this missense variant is expected to disrupt TP63 protein function. This variant disrupts the p.Gly173 amino acid residue in TP63. Other variant(s) that disrupt this residue have been determined to be pathogenic (PMID: 21990121, 23463580; Invitae). This suggests that this residue is clinically significant, and that variants that disrupt this residue are likely to be disease-causing. In summary, the currently available evidence indicates that the variant is pathogenic, but additional data are needed to prove that conclusively. Therefore, this variant has been classified as Likely Pathogenic.

Literature cited by the submitters: PubMed 21990121; PubMed 23463580.